The following is an entry in ClinVar:

ClinVar aggregate classification (germline): Uncertain significance (1 of 4 stars; one submission).

Submission:

Women's Health and Genetics/Laboratory Corporation of America, LabCorp
Classification: Uncertain significance. Last evaluated: 2024-11-27. Review status: criteria provided, single submitter. Criteria: LabCorp Variant Classification Summary - May 2015. Collection method: clinical testing. Allele origin: germline.
Comment: Variant summary: MACF1 c.9760A>G (p.Ile3254Val) results in a conservative amino acid change in the encoded protein sequence. Five of five in-silico tools predict a benign effect of the variant on protein function. The variant was absent in 250796 control chromosomes. The available data on variant occurrences in the general population are insufficient to allow any conclusion about variant significance. To our knowledge, no occurrence of c.9760A>G in individuals affected with Lissencephaly 9 With Complex Brainstem Malformation and no experimental evidence demonstrating its impact on protein function have been reported. No submitters have cited clinical-significance assessments for this variant to ClinVar. Based on the evidence outlined above, the variant was classified as uncertain significance.

NM_001394062.1(MACF1):c.15946A>G (p.Ile5316Val)

Gene: MACF1 (microtubule actin crosslinking factor 1; plus strand). Cytogenetic location: 1p34.3.
Variant type: single nucleotide variant.
Coding change: c.15946A>G on transcript NM_001394062.1 (MANE Select); coding-DNA position 15946, A replaced by G.
Protein change: p.Ile5316Val; replaces isoleucine 5316 with valine.
Molecular consequence: missense variant.
Genome position (GRCh38, 1-based): chr1:39,422,503, A>G. VCF-style: chr1-39422503-A-G. GRCh37 (hg19) VCF-style: chr1-39888175-A-G.
Other names: c.4342A>G, p.Ile1448Val (NM_001397473.1); c.9760A>G, p.Ile3254Val (NM_012090.5); short protein forms I1448V, I3254V, I5316V.
Identifiers: ClinVar variation 3629518 (VCV003629518.2).